The following is an entry in ClinVar:

NM_001244926.2(PRPF4):c.1270G>A (p.Gly424Ser)

Gene: PRPF4 (pre-mRNA splicing tri-snRNP complex factor PRPF4; plus strand). Cytogenetic location: 9q32.
Variant type: single nucleotide variant.
Coding change: c.1270G>A on transcript NM_001244926.2 (MANE Select); coding-DNA position 1270, G replaced by A.
Protein change: p.Gly424Ser; replaces glycine 424 with serine.
Molecular consequence: missense variant. On other transcripts: non-coding transcript variant (2).
Genome position (GRCh38, 1-based): chr9:113,290,914, G>A. VCF-style: chr9-113290914-G-A. GRCh37 (hg19) VCF-style: chr9-116053194-G-A.
Other names: c.544G>A, p.Gly182Ser (NM_001322266.2, NM_001322267.2); c.1273G>A, p.Gly425Ser (NM_004697.5); short protein forms G425S, G424S, G182S.
Identifiers: ClinVar variation 1395419 (VCV001395419.6), dbSNP rs781155243, ClinGen allele CA5195146.

ClinVar aggregate classification (germline): Uncertain significance (1 of 4 stars; one submission).

Allele frequency attached by ClinVar (database versions not stated): TOPMed 0.00002; ExAC 0.00006; gnomAD 0.00007; gnomAD exomes 0.00007 and 0.00008.
gnomAD v4.1: 117 of 1,613,956 alleles (0.0072%); highest among the groups gnomAD compares: East Asian, 0.0089%; no homozygotes.

Submission:

Labcorp Genetics (formerly Invitae), Labcorp
Classification: Uncertain significance. Last evaluated: 2025-10-24. Review status: criteria provided, single submitter. Criteria: Invitae Variant Classification Sherloc (09022015). Collection method: clinical testing. Allele origin: germline.
Comment: This sequence change replaces glycine, which is neutral and non-polar, with serine, which is neutral and polar, at codon 425 of the PRPF4 protein (p.Gly425Ser). This variant is present in population databases (rs781155243, gnomAD 0.02%). This missense change has been observed in individual(s) with retinitis pigmentosa (PMID: 37264419). ClinVar contains an entry for this variant (Variation ID: 1395419). An algorithm developed to predict the effect of missense changes on protein structure and function (PolyPhen-2) suggests that this variant is likely to be tolerated. In summary, the available evidence is currently insufficient to determine the role of this variant in disease. Therefore, it has been classified as a Variant of Uncertain Significance.

Literature cited by the submitters: PubMed 37264419.